The following is an entry in ClinVar:

ClinVar aggregate classification (germline): Uncertain significance. Review status: criteria provided, multiple submitters, no conflicts (2 of 4 stars). 2 submissions from 2 submitters: Uncertain significance (2). Last evaluated 2023-12-28.

Conditions:
Nephronophthisis. Also called: Juvenile Nephronophthisis. Identifiers: Orphanet 655, MedGen C0687120, MONDO:0019005, HP:0000090.

Allele frequency attached by ClinVar (database versions not stated): gnomAD exomes 0.00002.
gnomAD v4.1: 35 of 1,613,840 alleles (0.0022%); highest among the groups gnomAD compares: Non-Finnish European, 0.003%; no homozygotes.

Submissions (2):

Blueprint Genetics
Classification: Uncertain significance. Last evaluated: 2023-12-28. Review status: criteria provided, single submitter. Criteria: ACMG Guidelines, 2015. Collection method: clinical testing. Allele origin: germline.

Labcorp Genetics (formerly Invitae), Labcorp
Classification: Uncertain significance for Nephronophthisis. Last evaluated: 2022-07-11. Review status: criteria provided, single submitter. Criteria: Invitae Variant Classification Sherloc (09022015). Collection method: clinical testing. Allele origin: germline.
Comment: This sequence change replaces leucine, which is neutral and non-polar, with phenylalanine, which is neutral and non-polar, at codon 774 of the NPHP3 protein (p.Leu774Phe). This variant is not present in population databases (gnomAD no frequency). This variant has not been reported in the literature in individuals affected with NPHP3-related conditions. Algorithms developed to predict the effect of missense changes on protein structure and function (SIFT, PolyPhen-2, Align-GVGD) all suggest that this variant is likely to be tolerated. In summary, the available evidence is currently insufficient to determine the role of this variant in disease. Therefore, it has been classified as a Variant of Uncertain Significance.

NM_153240.5(NPHP3):c.2320C>T (p.Leu774Phe)

Genes: NPHP3 (nephrocystin 3; minus strand), NPHP3-ACAD11 (NPHP3-ACAD11 readthrough (NMD candidate); minus strand). Cytogenetic location: 3q22.1.
Variant type: single nucleotide variant.
Coding change: c.2320C>T on transcript NM_153240.5 (MANE Select); coding-DNA position 2320, C replaced by T.
Protein change: p.Leu774Phe; replaces leucine 774 with phenylalanine.
Molecular consequence: missense variant. On other transcripts: non-coding transcript variant (1).
Genome position (GRCh38, 1-based): chr3:132,692,809, G>A on the plus strand (C>T on the coding strand, the complement: NPHP3 is on the minus strand). VCF-style: chr3-132692809-G-A. GRCh37 (hg19) VCF-style: chr3-132411653-G-A.
Other names: short protein forms L774F.
Identifiers: ClinVar variation 2071351 (VCV002071351.2), dbSNP rs957704687, ClinGen allele CA83587349.
Genomic context (GRCh38, chr3:132,692,809, plus strand): 5'-TCTCAGGATAGAGTTCCATCAGTTCTGATTCACTCACACCATTGTGACTAACATTGACAA[G>A]GCAGAGGATCTAGGTAGAAAAACAAATTAACAGTAATCATAAAGCACCTGTATAAGTAAC-3'
Protein context (NP_694972.3, residues 764-784): DKELMKQILC[Leu774Phe]VNVSHNGVSE